The following is an entry in ClinVar:

ClinVar aggregate classification (germline): Uncertain significance (1 of 4 stars; one submission).

Conditions:
SCN4A-related disorder. Also called: SCN4A-related disorders.

Submission:

PreventionGenetics, part of Exact Sciences
Classification: Uncertain significance for SCN4A-related condition. Last evaluated: 2023-05-24. Review status: criteria provided, single submitter. Criteria: ACMG Guidelines, 2015. Collection method: clinical testing. Allele origin: germline.
Comment: The SCN4A c.389A>G variant is predicted to result in the amino acid substitution p.His130Arg. To our knowledge, this variant has not been reported in the literature or in a large population database, indicating this variant is rare. At this time, the clinical significance of this variant is uncertain due to the absence of conclusive functional and genetic evidence.

NM_000334.4(SCN4A):c.389A>G (p.His130Arg)

Gene: SCN4A (sodium voltage-gated channel alpha subunit 4; minus strand). Cytogenetic location: 17q23.3.
Variant type: single nucleotide variant.
Coding change: c.389A>G on transcript NM_000334.4 (MANE Select); coding-DNA position 389, A replaced by G.
Protein change: p.His130Arg; replaces histidine 130 with arginine.
Molecular consequence: missense variant.
Genome position (GRCh38, 1-based): chr17:63,972,355, T>C on the plus strand (A>G on the coding strand, the complement: SCN4A is on the minus strand). VCF-style: chr17-63972355-T-C. GRCh37 (hg19) VCF-style: chr17-62049715-T-C.
Other names: short protein forms H130R.
Identifiers: ClinVar variation 2632815 (VCV002632815.1), dbSNP rs2509325072, ClinGen allele CA400639843.
Genomic context (GRCh38, chr17:63,972,355, plus strand): 5'-GCACCCCATCTCGCCCATCCCTAACCCCTCCCGCCTCTCCCATCTTGGGCAGGATATGCA[T>C]GGATGAGCACCTTGATGGCCCCGCGCCTGACTACGCTGAAGGGGCTCAGCAGGTAGAGAG-3'
Protein context (NP_000325.4, residues 120-140): VRRGAIKVLI[His130Arg]ALFSMFIMIT